The following is an entry in ClinVar:

NM_001363711.2(DUOX2):c.2852G>A (p.Gly951Asp)

Gene: DUOX2 (dual oxidase 2; minus strand). Cytogenetic location: 15q21.1.
Variant type: single nucleotide variant.
Coding change: c.2852G>A on transcript NM_001363711.2 (MANE Select); coding-DNA position 2852, G replaced by A.
Protein change: p.Gly951Asp; replaces glycine 951 with aspartic acid.
Molecular consequence: missense variant.
Genome position (GRCh38, 1-based): chr15:45,101,274, C>T on the plus strand (G>A on the coding strand, the complement: DUOX2 is on the minus strand). VCF-style: chr15-45101274-C-T. GRCh37 (hg19) VCF-style: chr15-45393472-C-T.
Other names: c.2852G>A, p.Gly951Asp (NM_014080.5); short protein forms G951D.
Identifiers: ClinVar variation 1063738 (VCV001063738.6), dbSNP rs2141145937, ClinGen allele CA392265581.

ClinVar aggregate classification (germline): Uncertain significance (1 of 4 stars; one submission).

Submission:

Labcorp Genetics (formerly Invitae), Labcorp
Classification: Uncertain significance. Last evaluated: 2025-06-02. Review status: criteria provided, single submitter. Criteria: Invitae Variant Classification Sherloc (09022015). Collection method: clinical testing. Allele origin: germline.
Comment: This sequence change replaces glycine, which is neutral and non-polar, with aspartic acid, which is acidic and polar, at codon 951 of the DUOX2 protein (p.Gly951Asp). This variant is not present in population databases (gnomAD no frequency). This variant has not been reported in the literature in individuals affected with DUOX2-related conditions. ClinVar contains an entry for this variant (Variation ID: 1063738). An algorithm developed to predict the effect of missense changes on protein structure and function (PolyPhen-2) suggests that this variant is likely to be tolerated. Algorithms developed to predict the effect of sequence changes on RNA splicing suggest that this variant may disrupt the consensus splice site. In summary, the available evidence is currently insufficient to determine the role of this variant in disease. Therefore, it has been classified as a Variant of Uncertain Significance.